The following is an entry in ClinVar:

ClinVar aggregate classification (germline): Uncertain significance (1 of 4 stars; one submission).

Conditions:
Hereditary cancer-predisposing syndrome. Also called: Tumor predisposition; Hereditary neoplastic syndrome; Hereditary Cancer Syndrome; Neoplastic Syndromes, Hereditary. Identifiers: Orphanet 140162, MedGen C0027672, MeSH D009386, MONDO:0015356.

Submission:

Ambry Genetics
Classification: Uncertain significance for Hereditary cancer-predisposing syndrome. Last evaluated: 2025-06-09. Review status: criteria provided, single submitter. Criteria: Ambry Variant Classification Scheme 2023. Collection method: clinical testing. Allele origin: germline.
Comment: The c.1108+1G>A intronic variant results from a G to A substitution one nucleotide after coding exon 8 of the STK11 gene. This alteration occurs at the 3' terminus of the STK11 gene, is not expected to trigger nonsense-mediated mRNA decay, and impacts the last 29.5% of the protein. The exact functional effect of this alteration is unknown. This nucleotide position is highly conserved in available vertebrate species. In silico splice site analysis predicts that this alteration will weaken the native splice donor site and may result in the creation or strengthening of a novel splice donor site; however, direct evidence is insufficient at this time (Ambry internal data). Based on the available evidence, the clinical significance of this variant remains unclear.

NM_000455.5(STK11):c.1108+1G>A

Genes: STK11 (serine/threonine kinase 11; plus strand), LOC130062899 (ATAC-STARR-seq lymphoblastoid active region 13597; plus strand). Cytogenetic location: 19p13.3.
Variant type: single nucleotide variant.
Coding change: c.1108+1G>A on transcript NM_000455.5 (MANE Select); the canonical splice donor site of the intron after coding-DNA position 1108, G replaced by A.
Molecular consequence: splice donor variant.
Genome position (GRCh38, 1-based): chr19:1,223,173, G>A. VCF-style: chr19-1223173-G-A. GRCh37 (hg19) VCF-style: chr19-1223172-G-A.
Other names: c.1108+1G>A (NM_001407255.1).
Identifiers: ClinVar variation 3963274 (VCV003963274.1).
Genomic context (GRCh38, chr19:1,223,173, plus strand): 5'-ACGAGGACCTCTTCGACATCGAGGATGACATCATCTACACTCAGGACTTCACGGTGCCCG[G>A]TGAGTCTGGCGGGGGCCCCTGCCCGGCTCTGCTGACTCGGCCAGGATGTCCCACGGGAGC-3'